The following is an entry in ClinVar:

NM_001171.6(ABCC6):c.1570G>A (p.Ala524Thr)

Gene: ABCC6 (ATP binding cassette subfamily C member 6; minus strand). Cytogenetic location: 16p13.11.
Variant type: single nucleotide variant.
Coding change: c.1570G>A on transcript NM_001171.6 (MANE Select); coding-DNA position 1570, G replaced by A.
Protein change: p.Ala524Thr; replaces alanine 524 with threonine.
Molecular consequence: missense variant. On other transcripts: non-coding transcript variant (1).
Genome position (GRCh38, 1-based): chr16:16,190,229, C>T on the plus strand (G>A on the coding strand, the complement: ABCC6 is on the minus strand). VCF-style: chr16-16190229-C-T. GRCh37 (hg19) VCF-style: chr16-16284086-C-T.
Other names: c.1570G>A (NM_001171.5); c.1228G>A, p.Ala410Thr (NM_001351800.1); short protein forms A524T, A410T.
Identifiers: ClinVar variation 1428042 (VCV001428042.9), dbSNP rs143588929, ClinGen allele CA278657944.

ClinVar aggregate classification (germline): Uncertain significance. Review status: criteria provided, multiple submitters, no conflicts (2 of 4 stars). 3 submissions from 3 submitters: Uncertain significance (3). Last evaluated 2026-01-05.

Conditions:
Inborn genetic diseases. Identifiers: MedGen C0950123, MeSH D030342.
Arterial calcification, generalized, of infancy, 2. Identifiers: Orphanet 51608, MedGen C3276161, MONDO:0013768, OMIM 614473.
Autosomal recessive inherited pseudoxanthoma elasticum (PXE). Identifiers: Orphanet 758, MedGen CN032334, MONDO:0009925, OMIM 264800.
Pseudoxanthoma elasticum, forme fruste. Also called: Pseudoxanthoma Elasticum, Incomplete; PSEUDOXANTHOMA ELASTICUM, HETEROZYGOUS. Identifiers: Orphanet 758, MedGen C1867450, MONDO:0008333, OMIM 177850.

Allele frequency attached by ClinVar (database versions not stated): ESP Exome Variant Server 0.00008.
gnomAD v4.1: 23 of 1,613,968 alleles (0.0014%); highest among the groups gnomAD compares: African/African-American, 0.0067%; no homozygotes.

Submissions (3):

Labcorp Genetics (formerly Invitae), Labcorp
Classification: Uncertain significance. Last evaluated: 2026-01-05. Review status: criteria provided, single submitter. Criteria: Invitae Variant Classification Sherloc (09022015). Collection method: clinical testing. Allele origin: germline.
Comment: This sequence change replaces alanine, which is neutral and non-polar, with threonine, which is neutral and polar, at codon 524 of the ABCC6 protein (p.Ala524Thr). This variant is present in population databases (rs143588929, gnomAD 0.004%). This variant has not been reported in the literature in individuals affected with ABCC6-related conditions. ClinVar contains an entry for this variant (Variation ID: 1428042). Invitae Evidence Modeling of protein sequence and biophysical properties (such as structural, functional, and spatial information, amino acid conservation, physicochemical variation, residue mobility, and thermodynamic stability) has been performed for this missense variant. However, the output from this modeling did not meet the statistical confidence thresholds required to predict the impact of this variant on ABCC6 protein function. In summary, the available evidence is currently insufficient to determine the role of this variant in disease. Therefore, it has been classified as a Variant of Uncertain Significance.

Ambry Genetics
Classification: Uncertain significance for Inborn genetic diseases. Last evaluated: 2024-08-07. Review status: criteria provided, single submitter. Criteria: Ambry Variant Classification Scheme 2023. Collection method: clinical testing. Allele origin: germline.

Fulgent Genetics
Classification: Uncertain significance for Pseudoxanthoma elasticum, forme fruste; Autosomal recessive inherited pseudoxanthoma elasticum; Arterial calcification, generalized, of infancy, 2. Last evaluated: 2024-05-15. Review status: criteria provided, single submitter. Criteria: ACMG Guidelines, 2015. Collection method: clinical testing. Allele origin: germline.